The following is an entry in ClinVar:

ClinVar aggregate classification (germline): Uncertain significance. Review status: criteria provided, multiple submitters, no conflicts (2 of 4 stars). 4 submissions from 4 submitters: Uncertain significance (3). 1 of the submissions does not count toward it. Last evaluated 2024-08-13.

Conditions:
Hereditary cancer-predisposing syndrome. Also called: Tumor predisposition; Hereditary neoplastic syndrome; Neoplastic Syndromes, Hereditary; Hereditary Cancer Syndrome. Identifiers: Orphanet 140162, MedGen C0027672, MeSH D009386, MONDO:0015356.
Ataxia-telangiectasia syndrome (AT). Also called: Ataxia-telangiectasia, complementation group D; AT, COMPLEMENTATION GROUP C; ATAXIA-TELANGIECTASIA, COMPLEMENTATION GROUP A; ATAXIA-TELANGIECTASIA, FRESNO VARIANT; Ataxia-telangiectasia; LOUIS-BAR SYNDROME. Identifiers: Orphanet 100, MedGen C0004135, MONDO:0008840, OMIM 208900.

Submissions (4):

Labcorp Genetics (formerly Invitae), Labcorp
Classification: Uncertain significance for Ataxia-telangiectasia syndrome. Last evaluated: 2024-08-13. Review status: criteria provided, single submitter. Criteria: Invitae Variant Classification Sherloc (09022015). Collection method: clinical testing. Allele origin: germline.
Comment: This sequence change replaces methionine, which is neutral and non-polar, with isoleucine, which is neutral and non-polar, at codon 2357 of the ATM protein (p.Met2357Ile). This variant is not present in population databases (gnomAD no frequency). This missense change has been observed in individual(s) with breast cancer (PMID: 33646313). ClinVar contains an entry for this variant (Variation ID: 628285). An algorithm developed to predict the effect of missense changes on protein structure and function (PolyPhen-2) suggests that this variant¬†is likely to be tolerated. In summary, the available evidence is currently insufficient to determine the role of this variant in disease. Therefore, it has been classified as a Variant of Uncertain Significance.

Ambry Genetics
Classification: Uncertain significance for Hereditary cancer-predisposing syndrome. Last evaluated: 2021-02-06. Review status: criteria provided, single submitter. Criteria: Ambry Variant Classification Scheme 2023. Collection method: clinical testing. Allele origin: germline.
Comment: The p.M2357I variant (also known as c.7071G>T), located in coding exon 47 of the ATM gene, results from a G to T substitution at nucleotide position 7071. The methionine at codon 2357 is replaced by isoleucine, an amino acid with highly similar properties. This amino acid position is not well conserved in available vertebrate species. In addition, the in silico prediction for this alteration is inconclusive. Since supporting evidence is limited at this time, the clinical significance of this alteration remains unclear.

Color Diagnostics, LLC DBA Color Health
Classification: Uncertain significance for Hereditary cancer-predisposing syndrome. Last evaluated: 2019-06-05. Review status: criteria provided, single submitter. Criteria: ACMG Guidelines, 2015. Collection method: clinical testing. Allele origin: germline.

Natera, Inc.
Classification: Uncertain significance for Ataxia-telangiectasia. Last evaluated: 2020-01-24. Review status: no assertion criteria provided. Collection method: clinical testing. Allele origin: germline. Not counted in ClinVar's aggregate classification.

Literature cited by the submitters: PubMed 33646313 (cited by Labcorp Genetics (formerly Invitae), Labcorp).

NM_000051.4(ATM):c.7071G>T (p.Met2357Ile)

Genes: ATM (ATM serine/threonine kinase; plus strand), C11orf65 (chromosome 11 open reading frame 65; minus strand). Cytogenetic location: 11q22.3.
Variant type: single nucleotide variant.
Coding change: c.7071G>T on transcript NM_000051.4 (MANE Select); coding-DNA position 7071, G replaced by T.
Protein change: p.Met2357Ile; replaces methionine 2357 with isoleucine.
Molecular consequence: missense variant. On other transcripts: intron variant (2).
Genome position (GRCh38, 1-based): chr11:108,327,740, G>T. VCF-style: chr11-108327740-G-T. GRCh37 (hg19) VCF-style: chr11-108198467-G-T.
Other names: c.7071G>T, p.Met2357Ile (NM_001351834.2); c.641-18669C>A (NM_001330368.2); c.*38+7480C>A (NM_001351110.2); short protein forms M2357I.
Identifiers: ClinVar variation 628285 (VCV000628285.17), dbSNP rs753951063, ClinGen allele CA382559100.